The following is an entry in ClinVar:

NM_001042492.3(NF1):c.4688A>T (p.Asn1563Ile)

Gene: NF1 (neurofibromin 1; plus strand). Cytogenetic location: 17q11.2.
Variant type: single nucleotide variant.
Coding change: c.4688A>T on transcript NM_001042492.3 (MANE Select); coding-DNA position 4688, A replaced by T.
Protein change: p.Asn1563Ile; replaces asparagine 1563 with isoleucine.
Molecular consequence: missense variant.
Genome position (GRCh38, 1-based): chr17:31,261,821, A>T. VCF-style: chr17-31261821-A-T. GRCh37 (hg19) VCF-style: chr17-29588839-A-T.
Other names: c.4625A>T, p.Asn1542Ile (NM_000267.4); short protein forms N1542I, N1563I.
Identifiers: ClinVar variation 1960330 (VCV001960330.5), dbSNP rs2151466454, ClinGen allele CA399000531.

ClinVar aggregate classification (germline): Uncertain significance (1 of 4 stars; one submission).

Conditions:
Neurofibromatosis, type 1 (NF1). Also called: NEUROFIBROMATOSIS, TYPE I, SOMATIC; Peripheral type neurofibromatosis; VON RECKLINGHAUSEN DISEASE; Neurofibromatosis, type I. Identifiers: Orphanet 636, MedGen C0027831, MONDO:0018975, OMIM 162200. Disease mechanism: loss of function.

Submission:

Labcorp Genetics (formerly Invitae), Labcorp
Classification: Uncertain significance for Neurofibromatosis, type 1. Last evaluated: 2022-02-03. Review status: criteria provided, single submitter. Criteria: Invitae Variant Classification Sherloc (09022015). Collection method: clinical testing. Allele origin: germline.
Comment: Advanced modeling of protein sequence and biophysical properties (such as structural, functional, and spatial information, amino acid conservation, physicochemical variation, residue mobility, and thermodynamic stability) performed at Invitae indicates that this missense variant is expected to disrupt NF1 protein function. In summary, the available evidence is currently insufficient to determine the role of this variant in disease. Therefore, it has been classified as a Variant of Uncertain Significance. This variant has not been reported in the literature in individuals affected with NF1-related conditions. This variant is not present in population databases (gnomAD no frequency). This sequence change replaces asparagine, which is neutral and polar, with isoleucine, which is neutral and non-polar, at codon 1542 of the NF1 protein (p.Asn1542Ile).